The following is an entry in ClinVar:

ClinVar aggregate classification (germline): Uncertain significance (1 of 4 stars; one submission).

Submission:

Labcorp Genetics (formerly Invitae), Labcorp
Classification: Uncertain significance. Last evaluated: 2025-06-02. Review status: criteria provided, single submitter. Criteria: Invitae Variant Classification Sherloc (09022015). Collection method: clinical testing. Allele origin: germline.
Comment: This sequence change replaces glutamic acid, which is acidic and polar, with aspartic acid, which is acidic and polar, at codon 51 of the CNOT3 protein (p.Glu51Asp). This variant is not present in population databases (gnomAD no frequency). This variant has not been reported in the literature in individuals affected with CNOT3-related conditions. ClinVar contains an entry for this variant (Variation ID: 2843911). An algorithm developed to predict the effect of missense changes on protein structure and function (PolyPhen-2) suggests that this variant is likely to be disruptive. In summary, the available evidence is currently insufficient to determine the role of this variant in disease. Therefore, it has been classified as a Variant of Uncertain Significance.

NM_014516.4(CNOT3):c.153G>T (p.Glu51Asp)

Gene: CNOT3 (CCR4-NOT transcription complex subunit 3; plus strand). Cytogenetic location: 19q13.42.
Variant type: single nucleotide variant.
Coding change: c.153G>T on transcript NM_014516.4 (MANE Select); coding-DNA position 153, G replaced by T.
Protein change: p.Glu51Asp; replaces glutamic acid 51 with aspartic acid.
Molecular consequence: missense variant.
Genome position (GRCh38, 1-based): chr19:54,143,501, G>T. VCF-style: chr19-54143501-G-T. GRCh37 (hg19) VCF-style: chr19-54647237-G-T.
Other names: short protein forms E51D.
Identifiers: ClinVar variation 2843911 (VCV002843911.3), dbSNP rs2517258542, ClinGen allele CA407758730.